The following is an entry in ClinVar:

NM_145020.5(CFAP53):c.3G>A (p.Met1Ile)

Gene: CFAP53 (cilia and flagella associated protein 53; minus strand). Cytogenetic location: 18q21.1.
Variant type: single nucleotide variant.
Coding change: c.3G>A on transcript NM_145020.5 (MANE Select); coding-DNA position 3, G replaced by A.
Protein change: p.Met1Ile; changes the start codon (methionine 1).
Molecular consequence: missense variant, initiator codon variant.
Genome position (GRCh38, 1-based): chr18:50,266,402, C>T on the plus strand (G>A on the coding strand, the complement: CFAP53 is on the minus strand). VCF-style: chr18-50266402-C-T. GRCh37 (hg19) VCF-style: chr18-47792772-C-T.
Other names: short protein forms M1I.
Identifiers: ClinVar variation 4531695 (VCV004531695.1).

ClinVar aggregate classification (germline): Uncertain significance (1 of 4 stars; one submission).

Conditions:
Heterotaxy, visceral, 6, autosomal (HTX6). Also called: Heterotaxy, visceral, 6, autosomal recessive. Identifiers: Orphanet 450, MedGen C3553676, MONDO:0013887, OMIM 614779.

Submission:

Victorian Clinical Genetics Services, Murdoch Childrens Research Institute
Classification: Uncertain significance for Heterotaxy, visceral, 6, autosomal. Last evaluated: 2024-10-01. Review status: criteria provided, single submitter. Criteria: ACMG Guidelines, 2015. Collection method: clinical testing. Allele origin: germline. Affected: yes.
Comment: This variant is classified as VUS-3A. Evidence in support of pathogenic classification: Variant is predicted to result in a loss of the canonical translation initiation codon (ATG); Variant is present in gnomAD <0.01 for a recessive condition (v4: 2 heterozygote(s), 0 homozygote(s)). An alternative start-loss variant involving the same nucleotide is also present in gnomAD (v4: 43 heterozygote(s), 0 homozygote(s)) Additional information: This variant is homozygous; This gene is associated with autosomal recessive disease; Multiple alternative nucleotide changes at the same initiation codon are observed in gnomAD (v4 highest allele count: 1 heterozygote(s), 0 homozygote(s)); This variant has no previous evidence of pathogenicity; No published segregation evidence has been identified for this variant; No published functional evidence has been identified for this variant; No comparable start loss variants have previous evidence for pathogenicity; Loss of function is a known mechanism of disease in this gene and is associated with heterotaxy, visceral, 6, autosomal recessive (MIM#614779); Variants in this gene are known to have intrafamilial variable expressivity (OMIM); Inheritance information for this variant is not currently available in this individual.